The following is an entry in ClinVar:

NM_000465.4(BARD1):c.1846A>G (p.Ser616Gly)

Gene: BARD1 (BRCA1 associated RING domain 1; minus strand). Cytogenetic location: 2q35.
Variant type: single nucleotide variant.
Coding change: c.1846A>G on transcript NM_000465.4 (MANE Select); coding-DNA position 1846, A replaced by G.
Protein change: p.Ser616Gly; replaces serine 616 with glycine.
Molecular consequence: missense variant. On other transcripts: non-coding transcript variant (3), intron variant (1).
Genome position (GRCh38, 1-based): chr2:214,745,124, T>C on the plus strand (A>G on the coding strand, the complement: BARD1 is on the minus strand). VCF-style: chr2-214745124-T-C. GRCh37 (hg19) VCF-style: chr2-215609848-T-C.
Other names: c.1789A>G, p.Ser597Gly (NM_001282543.2); c.493A>G, p.Ser165Gly (NM_001282545.2); c.436A>G, p.Ser146Gly (NM_001282548.2); c.365-14616A>G (NM_001282549.2); short protein forms S165G, S597G, S146G, S616G.
Identifiers: ClinVar variation 2560788 (VCV002560788.2), dbSNP rs2469338178, ClinGen allele CA350452224.
Genomic context (GRCh38, chr2:214,745,124, plus strand): 5'-TACATTCAAATTTTAGAATCCAGCATCCATTGAGAATCCCAAGCATACACTTCAAGGTAC[T>C]TTGAACTGCATCACCAGGAACAACAACATGAGTTACTAAAATACAAAAAAAGCAGTAAGA-3'
Protein context (NP_000456.2, residues 606-626): HVVVPGDAVQ[Ser616Gly]TLKCMLGILN

ClinVar aggregate classification (germline): Uncertain significance (1 of 4 stars; one submission).

Conditions:
Hereditary cancer-predisposing syndrome. Also called: Neoplastic Syndromes, Hereditary; Hereditary Cancer Syndrome; Hereditary neoplastic syndrome; Tumor predisposition. Identifiers: Orphanet 140162, MedGen C0027672, MeSH D009386, MONDO:0015356.

Allele frequency attached by ClinVar (database versions not stated): gnomAD exomes below 0.00001.
gnomAD v4.1: 2 of 1,614,090 alleles (0.00012%); highest among the groups gnomAD compares: Non-Finnish European, 0.00017%; no homozygotes.

Submission:

Ambry Genetics
Classification: Uncertain significance for Hereditary cancer-predisposing syndrome. Last evaluated: 2023-04-03. Review status: criteria provided, single submitter. Criteria: Ambry Variant Classification Scheme 2023. Collection method: clinical testing. Allele origin: germline.
Comment: The p.S616G variant (also known as c.1846A>G), located in coding exon 9 of the BARD1 gene, results from an A to G substitution at nucleotide position 1846. The serine at codon 616 is replaced by glycine, an amino acid with similar properties. This amino acid position is conserved. In addition, this alteration is predicted to be tolerated by in silico analysis. Since supporting evidence is limited at this time, the clinical significance of this alteration remains unclear.